The following is an entry in ClinVar:

NM_001035.3(RYR2):c.13183C>G (p.Pro4395Ala)

Genes: RYR2 (ryanodine receptor 2; plus strand), LOC126806068 (BRD4-independent group 4 enhancer GRCh37_chr1:237947411-237948610; plus strand). Cytogenetic location: 1q43.
Variant type: single nucleotide variant.
Coding change: c.13183C>G on transcript NM_001035.3 (MANE Select); coding-DNA position 13183, C replaced by G.
Protein change: p.Pro4395Ala; replaces proline 4395 with alanine.
Molecular consequence: missense variant.
Genome position (GRCh38, 1-based): chr1:237,784,895, C>G. VCF-style: chr1-237784895-C-G. GRCh37 (hg19) VCF-style: chr1-237948195-C-G.
Other names: short protein forms P4395A.
Identifiers: ClinVar variation 4739402 (VCV004739402.1).
Genomic context (GRCh38, chr1:237,784,895, plus strand): 5'-CTTCTTTCGGACATCTTTGGCCTGGATCTGAAGAGAGAAGGAGGACAGTACAAACTGATT[C>G]CTCATAATCCAAATGCTGGGCTCAGTGACCTCATGAGCAACCCAGTCCCCATGCCTGAGG-3'
Protein context (NP_001026.2, residues 4385-4405): KREGGQYKLI[Pro4395Ala]HNPNAGLSDL

ClinVar aggregate classification (germline): Uncertain significance (1 of 4 stars; one submission).

Conditions:
Catecholaminergic polymorphic ventricular tachycardia 1. Also called: VENTRICULAR TACHYCARDIA, CATECHOLAMINERGIC POLYMORPHIC, 1, WITH OR WITHOUT ATRIAL DYSFUNCTION AND/OR DILATED CARDIOMYOPATHY; RYR2-Related Catecholaminergic Polymorphic Ventricular Tachycardia; VENTRICULAR TACHYCARDIA, STRESS-INDUCED POLYMORPHIC 1. Identifiers: Orphanet 3286, MedGen C1631597, MONDO:0011484, OMIM 604772.

Submission:

Labcorp Genetics (formerly Invitae), Labcorp
Classification: Uncertain significance for Catecholaminergic polymorphic ventricular tachycardia 1. Last evaluated: 2025-09-10. Review status: criteria provided, single submitter. Criteria: Invitae Variant Classification Sherloc (09022015). Collection method: clinical testing. Allele origin: germline.
Comment: This sequence change replaces proline, which is neutral and non-polar, with alanine, which is neutral and non-polar, at codon 4395 of the RYR2 protein (p.Pro4395Ala). This variant is not present in population databases (gnomAD no frequency). This variant has not been reported in the literature in individuals affected with RYR2-related conditions. Invitae Evidence Modeling of protein sequence and biophysical properties (such as structural, functional, and spatial information, amino acid conservation, physicochemical variation, residue mobility, and thermodynamic stability) indicates that this missense variant is not expected to disrupt RYR2 protein function with a negative predictive value of 95%. In summary, the available evidence is currently insufficient to determine the role of this variant in disease. Therefore, it has been classified as a Variant of Uncertain Significance.